The following is an entry in ClinVar:

ClinVar aggregate classification (germline): Pathogenic. Review status: criteria provided, single submitter (1 of 4 stars). 3 submissions from 3 submitters: Pathogenic (1). 2 of the submissions do not count toward it. Last evaluated 2017-01-23.

Conditions:
KMT2D-related disorder. Also called: KMT2D-Related Disorders.
Kabuki syndrome 1 (KABUK1). Also called: KMT2D-Related Kabuki Syndrome. Identifiers: Orphanet 2322, MedGen CN030661, MONDO:0007843, OMIM 147920.

Submissions (3):

GeneDx
Classification: Pathogenic. Last evaluated: 2017-01-23. Review status: criteria provided, single submitter. Criteria: GeneDx Variant Classification (06012015). Collection method: clinical testing. Allele origin: germline. Affected: yes.
Comment: The c.2164delG variant in the KMT2D gene has not been reported previously as a pathogenic variant nor as a benign variant, to our knowledge. The c.2164delG variant causes a frameshift starting with codon Glutamic Acid 722, changes this amino acid to a Serine residue, and creates a premature Stop codon at position 208 of the new reading frame, denoted p.Glu722SerfsX208. This variant is predicted to cause loss of normal protein function either through protein truncation or nonsense-mediated mRNA decay. The c.2164delG variant was not observed in approximately 6200 individuals of European and African American ancestry in the NHLBI Exome Sequencing Project, indicating it is not a common benign variant in these populations. We interpret c.2164delG as a pathogenic variant.

PreventionGenetics, part of Exact Sciences
Classification: Pathogenic for KMT2D-related condition. Last evaluated: 2024-05-08. Review status: no assertion criteria provided. Collection method: clinical testing. Allele origin: germline. Not counted in ClinVar's aggregate classification.
Comment: The KMT2D c.2164delG variant is predicted to result in a frameshift and premature protein termination (p.Glu722Serfs*208). This variant has been reported as de novo in an individual with Kabuki syndrome (Case P80 in Bögershausen et al. 2016. PubMed ID: 27302555). This variant has not been reported in a large population database, indicating this variant is rare. Frameshift variants in KMT2D are expected to be pathogenic. This variant is interpreted as pathogenic.

Autoinflammatory diseases unit, CHU de Montpellier
Classification: Pathogenic for Kabuki syndrome 1. Last evaluated: 2013-10-01. Review status: no assertion criteria provided. Collection method: clinical testing. Allele origin: de novo. Affected: yes. Not counted in ClinVar's aggregate classification.

NM_003482.4(KMT2D):c.2164del (p.Glu722fs)

Gene: KMT2D (lysine methyltransferase 2D; minus strand). Cytogenetic location: 12q13.12.
Variant type: Deletion.
Coding change: c.2164del on transcript NM_003482.4 (MANE Select); coding-DNA position 2164, one base deleted (G; older notation c.2164delG).
Protein change: p.Glu722fs; shifts the reading frame from glutamic acid 722.
Molecular consequence: frameshift variant.
Genome position (GRCh38, 1-based): chr12:49,051,519, C deleted on the plus strand (G on the coding strand, the reverse complement: KMT2D is on the minus strand); the first of 2 consecutive C bases (chr12:49,051,519-49,051,520); deleting either gives the same sequence. VCF-style (leftmost placement, unchanged base first): chr12-49051518-TC-T. GRCh37 (hg19) VCF-style: chr12-49445301-TC-T.
Other names: c.2164delG (NM_003482.3); short protein forms E722fs.
Identifiers: ClinVar variation 423172 (VCV000423172.5), dbSNP rs1064796275, ClinGen allele CA16619543.
Genomic context (GRCh38, chr12:49,051,518, plus strand): 5'-TGCGGCCCCTCGGACCGGGGGCAGAGTTGCGGCTCCTCAGGTAGTGGCAACAGGGGTGAC[TC>T]CTCCAGCGGCAGGGACATGAGCGAGTCCTCCGGTGGTGGGGAAGCAGGTGAGTCCTCAGG-3'